The following is an entry in ClinVar:

NM_022124.6(CDH23):c.4427T>C (p.Ile1476Thr)

Gene: CDH23 (cadherin related 23; plus strand). Cytogenetic location: 10q22.1.
Variant type: single nucleotide variant.
Coding change: c.4427T>C on transcript NM_022124.6 (MANE Select); coding-DNA position 4427, T replaced by C.
Protein change: p.Ile1476Thr; replaces isoleucine 1476 with threonine.
Molecular consequence: missense variant.
Genome position (GRCh38, 1-based): chr10:71,739,711, T>C. VCF-style: chr10-71739711-T-C. GRCh37 (hg19) VCF-style: chr10-73499468-T-C.
Other names: short protein forms I1476T.
Identifiers: ClinVar variation 858208 (VCV000858208.8), dbSNP rs1197884550, ClinGen allele CA377160133.
Genomic context (GRCh38, chr10:71,739,711, plus strand): 5'-TCTCCCTGGCCTCTGGCAACATCGCGGGGGCCTTTGAGATCGTCACCACCAATGACTCCA[T>C]TGGCGAAGTGTTTGTGGCCAGGCCCCTGGACAGAGAAGAGCTGGATCACTACATCCTCCA-3'
Protein context (NP_071407.4, residues 1466-1486): AFEIVTTNDS[Ile1476Thr]GEVFVARPLD

ClinVar aggregate classification (germline): Uncertain significance. Review status: criteria provided, multiple submitters, no conflicts (2 of 4 stars). 4 submissions from 4 submitters: Uncertain significance (3). 1 of the submissions does not count toward it. Last evaluated 2025-03-13.

Conditions:
Usher syndrome type 1 (USH1). Also called: RETINITIS PIGMENTOSA AND CONGENITAL DEAFNESS. Identifiers: Orphanet 231169, Orphanet 886, MedGen C1568247, MONDO:0010168, OMIM 276900.

Allele frequency attached by ClinVar (database versions not stated): gnomAD 0.00001; TOPMed 0.00002; gnomAD exomes below 0.00001 and 0.00002.
gnomAD v4.1: 7 of 1,613,474 alleles (0.00043%); highest among the groups gnomAD compares: Admixed American, 0.0083%; no homozygotes.

Submissions (4):

GeneDx
Classification: Uncertain significance. Last evaluated: 2025-03-13. Review status: criteria provided, single submitter. Criteria: GeneDx Variant Classification Process June 2021. Collection method: clinical testing. Allele origin: germline.
Comment: In silico analysis indicates that this missense variant does not alter protein structure/function; Has not been previously published as pathogenic or benign to our knowledge

Blueprint Genetics
Classification: Uncertain significance. Last evaluated: 2022-10-28. Review status: criteria provided, single submitter. Criteria: ACMG Guidelines, 2015. Collection method: clinical testing. Allele origin: germline.

Labcorp Genetics (formerly Invitae), Labcorp
Classification: Uncertain significance. Last evaluated: 2022-04-07. Review status: criteria provided, single submitter. Criteria: Invitae Variant Classification Sherloc (09022015). Collection method: clinical testing. Allele origin: germline.
Comment: This sequence change replaces isoleucine, which is neutral and non-polar, with threonine, which is neutral and polar, at codon 1476 of the CDH23 protein (p.Ile1476Thr). This variant is present in population databases (no rsID available, gnomAD 0.009%). This variant has not been reported in the literature in individuals affected with CDH23-related conditions. ClinVar contains an entry for this variant (Variation ID: 858208). Algorithms developed to predict the effect of missense changes on protein structure and function are either unavailable or do not agree on the potential impact of this missense change (SIFT: "Deleterious"; PolyPhen-2: "Not Available"; Align-GVGD: "Class C15"). In summary, the available evidence is currently insufficient to determine the role of this variant in disease. Therefore, it has been classified as a Variant of Uncertain Significance.

Natera, Inc.
Classification: Uncertain significance for Usher syndrome type 1. Last evaluated: 2020-01-27. Review status: no assertion criteria provided. Collection method: clinical testing. Allele origin: germline. Not counted in ClinVar's aggregate classification.